The following is an entry in ClinVar:

ClinVar aggregate classification (germline): Uncertain significance (1 of 4 stars; one submission).

Conditions:
Fanconi anemia (FA). Also called: Fanconi's anemia. Identifiers: Orphanet 84, MedGen C0015625, MeSH D005199, MONDO:0019391.

gnomAD v4.1: 8 of 1,605,860 alleles (0.0005%); highest among the groups gnomAD compares: African/African-American, 0.011%; no homozygotes.

Submission:

Labcorp Genetics (formerly Invitae), Labcorp
Classification: Uncertain significance for Fanconi anemia. Last evaluated: 2025-10-27. Review status: criteria provided, single submitter. Criteria: Invitae Variant Classification Sherloc (09022015). Collection method: clinical testing. Allele origin: germline.
Comment: This sequence change falls in intron 1 of the FANCM gene. It does not directly change the encoded amino acid sequence of the FANCM protein. This variant is present in population databases (rs560644773, gnomAD 0.02%). This variant has not been reported in the literature in individuals affected with FANCM-related conditions. Algorithms developed to predict the effect of sequence changes on RNA splicing suggest that this variant may disrupt the consensus splice site. In summary, the available evidence is currently insufficient to determine the role of this variant in disease. Therefore, it has been classified as a Variant of Uncertain Significance.

NM_020937.4(FANCM):c.509-10T>G

Gene: FANCM (FA complementation group M; plus strand). Cytogenetic location: 14q21.2.
Variant type: single nucleotide variant.
Coding change: c.509-10T>G on transcript NM_020937.4 (MANE Select); 10 bases into the intron before coding-DNA position 509, T replaced by G.
Molecular consequence: intron variant.
Genome position (GRCh38, 1-based): chr14:45,137,059, T>G. VCF-style: chr14-45137059-T-G. GRCh37 (hg19) VCF-style: chr14-45606262-T-G.
Other names: c.509-10T>G (NM_001308133.2, NM_001308134.2).
Identifiers: ClinVar variation 4707199 (VCV004707199.1).